The following is an entry in ClinVar:

ClinVar aggregate classification (germline): Benign. Review status: criteria provided, multiple submitters, no conflicts (2 of 4 stars). 4 submissions from 4 submitters: Benign (4). Last evaluated 2023-11-12.

Conditions:
Immunodeficiency, common variable, 12 (CVID12). Also called: IMMUNODEFICIENCY, COMMON VARIABLE, 12, WITH AUTOIMMUNITY; NFKB1 DEFICIENCY. Identifiers: Orphanet 1572, Orphanet 696874, MedGen C4225277, MONDO:0014697, OMIM 616576.

Allele frequency attached by ClinVar (database versions not stated): TOPMed 0.30544; 1000 Genomes Project 0.31589; 1000 Genomes Project 30x 0.31746; ESP Exome Variant Server 0.28179.
gnomAD v4.1: 520,427 of 1,608,992 alleles (32%); highest among the groups gnomAD compares: Admixed American, 49%; 86,830 homozygotes.

Submissions (4):

Unidad de Genómica Garrahan, Hospital de Pediatría Garrahan
Classification: Benign. Last evaluated: 2023-11-12. Review status: criteria provided, single submitter. Criteria: ACMG Guidelines, 2015. Collection method: clinical testing. Allele origin: germline. Affected: no. Observed: 62 variant alleles.
Comment: This variant is classified as Benign based on local population frequency. This variant was detected in 65% of patients studied by a panel of primary immunodeficiencies. Number of patients: 62. Only high quality variants are reported.

Genome-Nilou Lab
Classification: Benign for Immunodeficiency, common variable, 12. Last evaluated: 2021-09-05. Review status: criteria provided, single submitter. Criteria: ACMG Guidelines, 2015. Collection method: clinical testing. Allele origin: germline. Affected: no.

GeneDx
Classification: Benign. Last evaluated: 2018-11-12. Review status: criteria provided, single submitter. Criteria: GeneDx Variant Classification Process June 2021. Collection method: clinical testing. Allele origin: germline. Affected: yes.

Breakthrough Genomics
Classification: Benign. Review status: criteria provided, single submitter. Criteria: ACMG Guidelines, 2015. Collection method: not provided. Allele origin: germline. Inheritance: Autosomal dominant inheritance. Affected: yes.

NM_003998.4(NFKB1):c.2593-22C>G

Gene: NFKB1 (nuclear factor kappa B subunit 1; plus strand). Cytogenetic location: 4q24.
Variant type: single nucleotide variant.
Coding change: c.2593-22C>G on transcript NM_003998.4 (MANE Select); 22 bases into the intron before coding-DNA position 2593, C replaced by G.
Molecular consequence: intron variant.
Genome position (GRCh38, 1-based): chr4:102,613,403, C>G. VCF-style: chr4-102613403-C-G. GRCh37 (hg19) VCF-style: chr4-103534560-C-G.
Other names: c.2593-22C>G (NM_001382626.1, NM_001382625.1); c.2590-22C>G (NM_001382627.1, NM_001165412.2, NM_001319226.2); c.2551-22C>G (NM_001382628.1).
Identifiers: ClinVar variation 1228617 (VCV001228617.8), dbSNP rs3817685, ClinGen allele CA3026478.